The following is an entry in ClinVar:

NM_020937.4(FANCM):c.2595G>C (p.Gln865His)

Gene: FANCM (FA complementation group M; plus strand). Cytogenetic location: 14q21.2.
Variant type: single nucleotide variant.
Coding change: c.2595G>C on transcript NM_020937.4 (MANE Select); coding-DNA position 2595, G replaced by C.
Protein change: p.Gln865His; replaces glutamine 865 with histidine.
Molecular consequence: missense variant.
Genome position (GRCh38, 1-based): chr14:45,175,349, G>C. VCF-style: chr14-45175349-G-C. GRCh37 (hg19) VCF-style: chr14-45644552-G-C.
Other names: c.2517G>C, p.Gln839His (NM_001308133.2); short protein forms Q839H, Q865H.
Identifiers: ClinVar variation 4871145 (VCV004871145.1).

ClinVar aggregate classification (germline): Uncertain significance (1 of 4 stars; one submission).

Conditions:
Inborn genetic diseases. Identifiers: MedGen C0950123, MeSH D030342.

Submission:

Ambry Genetics
Classification: Uncertain significance for Inborn genetic diseases. Last evaluated: 2026-05-17. Review status: criteria provided, single submitter. Criteria: Ambry Variant Classification Scheme 2023. Collection method: clinical testing. Allele origin: germline.
Comment: The p.Q865H variant (also known as c.2595G>C), located in coding exon 14 of the FANCM gene, results from a G to C substitution at nucleotide position 2595. The glutamine at codon 865 is replaced by histidine, an amino acid with highly similar properties. This amino acid position is conserved. In addition, this alteration is predicted to be tolerated by in silico analysis. Based on the available evidence, the clinical significance of this variant remains unclear.